The following is an entry in ClinVar:

NM_152594.3(SPRED1):c.1163C>T (p.Ser388Phe)

Gene: SPRED1 (sprouty related EVH1 domain containing 1; plus strand). Cytogenetic location: 15q14.
Variant type: single nucleotide variant.
Coding change: c.1163C>T on transcript NM_152594.3 (MANE Select); coding-DNA position 1163, C replaced by T.
Protein change: p.Ser388Phe; replaces serine 388 with phenylalanine.
Molecular consequence: missense variant.
Genome position (GRCh38, 1-based): chr15:38,351,492, C>T. VCF-style: chr15-38351492-C-T. GRCh37 (hg19) VCF-style: chr15-38643693-C-T.
Other names: short protein forms S388F.
Identifiers: ClinVar variation 933182 (VCV000933182.7), dbSNP rs1888487548, ClinGen allele CA391934391.

ClinVar aggregate classification (germline): Uncertain significance. Review status: criteria provided, multiple submitters, no conflicts (2 of 4 stars). 3 submissions from 3 submitters: Uncertain significance (3). Last evaluated 2024-11-18.

Conditions:
Legius syndrome. Identifiers: Orphanet 137605, MedGen C1969623, MONDO:0012669, OMIM 611431. Disease mechanism: loss of function.
Cardiovascular phenotype. Identifiers: MedGen CN230736.

Allele frequency attached by ClinVar (database versions not stated): gnomAD exomes below 0.00001.
gnomAD v4.1: 2 of 1,614,144 alleles (0.00012%); highest among the groups gnomAD compares: Non-Finnish European, 0.00017%; no homozygotes.

Submissions (3):

Ambry Genetics
Classification: Uncertain significance for Cardiovascular phenotype. Last evaluated: 2024-11-18. Review status: criteria provided, single submitter. Criteria: Ambry Variant Classification Scheme 2023. Collection method: clinical testing. Allele origin: germline.
Comment: The p.S388F variant (also known as c.1163C>T), located in coding exon 7 of the SPRED1 gene, results from a C to T substitution at nucleotide position 1163. The serine at codon 388 is replaced by phenylalanine, an amino acid with highly dissimilar properties. This amino acid position is conserved. In addition, the in silico prediction for this alteration is inconclusive. Based on the available evidence, the clinical significance of this variant remains unclear.

Labcorp Genetics (formerly Invitae), Labcorp
Classification: Uncertain significance for Legius syndrome. Last evaluated: 2024-04-29. Review status: criteria provided, single submitter. Criteria: Invitae Variant Classification Sherloc (09022015). Collection method: clinical testing. Allele origin: germline.
Comment: This sequence change replaces serine, which is neutral and polar, with phenylalanine, which is neutral and non-polar, at codon 388 of the SPRED1 protein (p.Ser388Phe). This variant is not present in population databases (gnomAD no frequency). This variant has not been reported in the literature in individuals affected with SPRED1-related conditions. ClinVar contains an entry for this variant (Variation ID: 933182). Advanced modeling of protein sequence and biophysical properties (such as structural, functional, and spatial information, amino acid conservation, physicochemical variation, residue mobility, and thermodynamic stability) has been performed at Invitae for this missense variant, however the output from this modeling did not meet the statistical confidence thresholds required to predict the impact of this variant on SPRED1 protein function. In summary, the available evidence is currently insufficient to determine the role of this variant in disease. Therefore, it has been classified as a Variant of Uncertain Significance.

Women's Health and Genetics/Laboratory Corporation of America, LabCorp
Classification: Uncertain significance. Last evaluated: 2020-06-29. Review status: criteria provided, single submitter. Criteria: LabCorp Variant Classification Summary - May 2015. Collection method: clinical testing. Allele origin: germline.
Comment: Variant summary: SPRED1 c.1163C>T (p.Ser388Phe) results in a non-conservative amino acid change in the encoded protein sequence. Four of five in-silico tools predict a damaging effect of the variant on protein function. The variant was absent in 251264 control chromosomes (gnomAD). The available data on variant occurrences in the general population are insufficient to allow any conclusion about variant significance. To our knowledge, no occurrence of c.1163C>T in individuals affected with Noonan Syndrome and Related Conditions and no experimental evidence demonstrating its impact on protein function have been reported. No clinical diagnostic laboratories have submitted clinical-significance assessments for this variant to ClinVar after 2014. Based on the evidence outlined above, the variant was classified as uncertain significance.